The following is an entry in ClinVar:

NM_000135.4(FANCA):c.1006+4G>C

Gene: FANCA (FA complementation group A; minus strand). Cytogenetic location: 16q24.3.
Variant type: single nucleotide variant.
Coding change: c.1006+4G>C on transcript NM_000135.4 (MANE Select); 4 bases into the intron after coding-DNA position 1006, G replaced by C.
Molecular consequence: intron variant.
Genome position (GRCh38, 1-based): chr16:89,795,902, C>G on the plus strand (G>C on the coding strand, the complement: FANCA is on the minus strand). VCF-style: chr16-89795902-C-G. GRCh37 (hg19) VCF-style: chr16-89862310-C-G.
Other names: c.1006+4G>C (NM_001286167.3, NM_000135.3).
Identifiers: ClinVar variation 970884 (VCV000970884.9), dbSNP rs201771215, ClinGen allele CA8252596.

ClinVar aggregate classification (germline): Conflicting classifications of pathogenicity. Review status: criteria provided, conflicting classifications (1 of 4 stars). 4 submissions from 4 submitters: Uncertain significance (2); Benign (1). 1 of the submissions does not count toward it. Last evaluated 2023-06-29.

Conditions:
Fanconi anemia (FA). Also called: Fanconi's anemia. Identifiers: Orphanet 84, MedGen C0015625, MeSH D005199, MONDO:0019391.

Allele frequency attached by ClinVar (database versions not stated): gnomAD 0.00002; gnomAD exomes 0.00007; ExAC 0.00012; 1000 Genomes Project 30x 0.00016; 1000 Genomes Project 0.00020.
gnomAD v4.1: 68 of 1,609,996 alleles (0.0042%); highest among the groups gnomAD compares: East Asian, 0.15%; no homozygotes.

Submissions (4):

Quest Diagnostics Nichols Institute San Juan Capistrano
Classification: Benign. Last evaluated: 2023-06-29. Review status: criteria provided, single submitter. Criteria: Quest Diagnostics criteria. Collection method: clinical testing. Allele origin: unknown.

Labcorp Genetics (formerly Invitae), Labcorp
Classification: Uncertain significance for Fanconi anemia. Last evaluated: 2022-07-25. Review status: criteria provided, single submitter. Criteria: Invitae Variant Classification Sherloc (09022015). Collection method: clinical testing. Allele origin: germline.
Comment: This sequence change falls in intron 11 of the FANCA gene. It does not directly change the encoded amino acid sequence of the FANCA protein. It affects a nucleotide within the consensus splice site. This variant is present in population databases (rs201771215, gnomAD 0.1%). This variant has not been reported in the literature in individuals affected with FANCA-related conditions. ClinVar contains an entry for this variant (Variation ID: 970884). Variants that disrupt the consensus splice site are a relatively common cause of aberrant splicing (PMID: 17576681, 9536098). Algorithms developed to predict the effect of sequence changes on RNA splicing suggest that this variant is not likely to affect RNA splicing. In summary, the available evidence is currently insufficient to determine the role of this variant in disease. Therefore, it has been classified as a Variant of Uncertain Significance.

Sema4
Classification: Uncertain significance for Fanconi anemia. Last evaluated: 2021-09-15. Review status: criteria provided, single submitter. Criteria: Sema4 Curation Guidelines. Collection method: curation. Allele origin: germline.
Comment: The FANCA c.1006+4G>C variant has not been reported in the literature to our knowledge. It was observed in 17/18394 chromosomes of the East Asian subpopulation, with no homozygotes, in the large and broad cohorts of the Genome Aggregation Database (PMID: 32461654). The variant has been reported in ClinVar (Variation ID 970884). In silico tools suggest that the variant does not impact splicing, though these predictions have not been confirmed by functional studies. The evidence is insufficient to meet ACMG/AMP criteria for classifying the variant as benign or pathogenic. Thus, the clinical significance of this variant is currently uncertain.

Natera, Inc.
Classification: Uncertain significance for Fanconi anemia. Last evaluated: 2020-03-27. Review status: no assertion criteria provided. Collection method: clinical testing. Allele origin: germline. Not counted in ClinVar's aggregate classification.

Literature cited by the submitters: PubMed 9536098 (cited by Quest Diagnostics Nichols Institute San Juan Capistrano and Labcorp Genetics (formerly Invitae), Labcorp); PubMed 17576681 (cited by Quest Diagnostics Nichols Institute San Juan Capistrano and Labcorp Genetics (formerly Invitae), Labcorp).